The following is an entry in ClinVar:

ClinVar aggregate classification (germline): Uncertain significance (1 of 4 stars; one submission).

Allele frequency attached by ClinVar (database versions not stated): TOPMed below 0.00001.

Submission:

Labcorp Genetics (formerly Invitae), Labcorp
Classification: Uncertain significance. Last evaluated: 2022-03-25. Review status: criteria provided, single submitter. Criteria: Invitae Variant Classification Sherloc (09022015). Collection method: clinical testing. Allele origin: germline.
Comment: In summary, the available evidence is currently insufficient to determine the role of this variant in disease. Therefore, it has been classified as a Variant of Uncertain Significance. Algorithms developed to predict the effect of missense changes on protein structure and function output the following: SIFT: "Tolerated"; PolyPhen-2: "Benign"; Align-GVGD: "Class C0". The valine amino acid residue is found in multiple mammalian species, which suggests that this missense change does not adversely affect protein function. This variant has not been reported in the literature in individuals affected with RP1-related conditions. This variant is not present in population databases (gnomAD no frequency). This sequence change replaces alanine, which is neutral and non-polar, with valine, which is neutral and non-polar, at codon 881 of the RP1 protein (p.Ala881Val).

NM_006269.2(RP1):c.2642C>T (p.Ala881Val)

Gene: RP1 (RP1 axonemal microtubule associated; plus strand). Cytogenetic location: 8q12.1.
Variant type: single nucleotide variant.
Coding change: c.2642C>T on transcript NM_006269.2 (MANE Select); coding-DNA position 2642, C replaced by T.
Protein change: p.Ala881Val; replaces alanine 881 with valine.
Molecular consequence: missense variant. On other transcripts: intron variant (1).
Genome position (GRCh38, 1-based): chr8:54,626,524, C>T. VCF-style: chr8-54626524-C-T. GRCh37 (hg19) VCF-style: chr8-55539084-C-T.
Other names: c.787+4236C>T (NM_001375654.1); short protein forms A881V.
Identifiers: ClinVar variation 1954826 (VCV001954826.5), dbSNP rs879247022, ClinGen allele CA177237269.